The following is an entry in ClinVar:

ClinVar aggregate classification (germline): Pathogenic (1 of 4 stars; one submission).

Submission:

Labcorp Genetics (formerly Invitae), Labcorp
Classification: Pathogenic. Last evaluated: 2025-06-08. Review status: criteria provided, single submitter. Criteria: Invitae Variant Classification Sherloc (09022015). Collection method: clinical testing. Allele origin: germline.
Comment: This sequence change creates a premature translational stop signal (p.Thr268*) in the LIFR gene. It is expected to result in an absent or disrupted protein product. Loss-of-function variants in LIFR are known to be pathogenic (PMID: 14740318). This variant is not present in population databases (gnomAD no frequency). This variant has not been reported in the literature in individuals affected with LIFR-related conditions. For these reasons, this variant has been classified as Pathogenic.

Literature cited by the submitters: PubMed 14740318.

NM_001127671.2(LIFR):c.800_801dup (p.Thr268Ter)

Gene: LIFR (LIF receptor subunit alpha; minus strand). Cytogenetic location: 5p13.1.
Variant type: Duplication.
Coding change: c.800_801dup on transcript NM_001127671.2 (MANE Select); coding-DNA positions 800 to 801, 2 bases duplicated (TA; older notation c.800_801dupTA).
Protein change: p.Thr268Ter; replaces threonine 268 with a stop codon.
Molecular consequence: nonsense.
Genome position (GRCh38, 1-based): chr5:38,510,654-38,510,655, TA duplicated on the plus strand (TA on the coding strand, the reverse complement: LIFR is on the minus strand); duplicating any 2 consecutive bases within chr5:38,510,654-38,510,656 gives the same sequence; the c. name uses the placement nearest the transcript's 3' end. VCF-style (leftmost placement, unchanged base first): chr5-38510653-T-TTA. GRCh37 (hg19) VCF-style: chr5-38510755-T-TTA.
Other names: c.800_801dup, p.Thr268Ter (NM_001364297.2, NM_001364298.2, NM_002310.6); short protein forms T268*.
Identifiers: ClinVar variation 4720971 (VCV004720971.1).